The following is an entry in ClinVar:

ClinVar aggregate classification (germline): Uncertain significance. Review status: criteria provided, multiple submitters, no conflicts (2 of 4 stars). 2 submissions from 2 submitters: Uncertain significance (2). Last evaluated 2025-11-23.

Conditions:
Progressive sclerosing poliodystrophy (MTDPS4A). Also called: NEURONAL DEGENERATION OF CHILDHOOD WITH LIVER DISEASE, PROGRESSIVE; Alpers Syndrome; ALPERS DIFFUSE DEGENERATION OF CEREBRAL GRAY MATTER WITH HEPATIC CIRRHOSIS; Mitochondrial DNA depletion syndrome 4A (Alpers type); Mitochondrial DNA Depletion Syndrome 4A; Alpers-Huttenlocher Syndrome. Identifiers: Orphanet 726, MedGen C0205710, MONDO:0008758, OMIM 203700.

Allele frequency attached by ClinVar (database versions not stated): gnomAD exomes below 0.00001; TOPMed below 0.00001; gnomAD 0.00001.
gnomAD v4.1: 5 of 1,561,366 alleles (0.00032%); highest among the groups gnomAD compares: African/African-American, 0.0055%; no homozygotes.

Submissions (2):

Labcorp Genetics (formerly Invitae), Labcorp
Classification: Uncertain significance for Progressive sclerosing poliodystrophy. Last evaluated: 2025-11-23. Review status: criteria provided, single submitter. Criteria: Invitae Variant Classification Sherloc (09022015). Collection method: clinical testing. Allele origin: germline.
Comment: This sequence change replaces leucine, which is neutral and non-polar, with proline, which is neutral and non-polar, at codon 195 of the POLG protein (p.Leu195Pro). This variant is not present in population databases (gnomAD no frequency). This variant has not been reported in the literature in individuals affected with POLG-related conditions. ClinVar contains an entry for this variant (Variation ID: 195175). Invitae Evidence Modeling of protein sequence and biophysical properties (such as structural, functional, and spatial information, amino acid conservation, physicochemical variation, residue mobility, and thermodynamic stability) indicates that this missense variant is expected to disrupt POLG protein function with a positive predictive value of 95%. In summary, the available evidence is currently insufficient to determine the role of this variant in disease. Therefore, it has been classified as a Variant of Uncertain Significance.

Eurofins Ntd Llc (ga)
Classification: Uncertain significance. Last evaluated: 2014-12-17. Review status: criteria provided, single submitter. Criteria: EGL Classification Definitions 2015. Collection method: clinical testing. Allele origin: germline. Observed: 1 variant allele, 1 heterozygote.

NM_002693.3(POLG):c.584T>C (p.Leu195Pro)

Genes: POLG (DNA polymerase gamma, catalytic subunit; minus strand), POLGARF (POLG alternative reading frame; minus strand). Cytogenetic location: 15q26.1.
Variant type: single nucleotide variant.
Coding change: c.584T>C on transcript NM_002693.3 (MANE Select); coding-DNA position 584, T replaced by C.
Protein change: p.Leu195Pro; replaces leucine 195 with proline.
Molecular consequence: missense variant.
Genome position (GRCh38, 1-based): chr15:89,333,171, A>G on the plus strand (T>C on the coding strand, the complement: POLG is on the minus strand). VCF-style: chr15-89333171-A-G. GRCh37 (hg19) VCF-style: chr15-89876402-A-G.
Other names: c.584T>C, p.Leu195Pro (NM_001126131.2); short protein forms L195P.
Identifiers: ClinVar variation 195175 (VCV000195175.13), dbSNP rs794727267, ClinGen allele CA241471.